The following is an entry in ClinVar:

ClinVar aggregate classification (germline): Uncertain significance. Review status: criteria provided, multiple submitters, no conflicts (2 of 4 stars). 2 submissions from 2 submitters: Uncertain significance (2). Last evaluated 2024-08-22.

Allele frequency attached by ClinVar (database versions not stated): gnomAD exomes 0.00001; gnomAD 0.00005; TOPMed 0.00005; ExAC 0.00007; 1000 Genomes Project 30x 0.00016; 1000 Genomes Project 0.00020.
gnomAD v4.1: 27 of 1,563,720 alleles (0.0017%); highest among the groups gnomAD compares: African/African-American, 0.0068%; no homozygotes.

Submissions (2):

Blueprint Genetics
Classification: Uncertain significance. Last evaluated: 2024-08-22. Review status: criteria provided, single submitter. Criteria: ACMG Guidelines, 2015. Collection method: clinical testing. Allele origin: germline.

Labcorp Genetics (formerly Invitae), Labcorp
Classification: Uncertain significance. Last evaluated: 2024-02-23. Review status: criteria provided, single submitter. Criteria: Invitae Variant Classification Sherloc (09022015). Collection method: clinical testing. Allele origin: germline.
Comment: This sequence change replaces arginine, which is basic and polar, with tryptophan, which is neutral and slightly polar, at codon 19 of the CANT1 protein (p.Arg19Trp). The frequency data for this variant in the population databases is considered unreliable, as metrics indicate poor data quality at this position in the gnomAD database. This variant has not been reported in the literature in individuals affected with CANT1-related conditions. ClinVar contains an entry for this variant (Variation ID: 2192496). An algorithm developed to predict the effect of missense changes on protein structure and function (PolyPhen-2) suggests that this variant is likely to be tolerated. In summary, the available evidence is currently insufficient to determine the role of this variant in disease. Therefore, it has been classified as a Variant of Uncertain Significance.

NM_001159773.2(CANT1):c.55C>T (p.Arg19Trp)

Gene: CANT1 (calcium activated nucleotidase 1; minus strand). Cytogenetic location: 17q25.3.
Variant type: single nucleotide variant.
Coding change: c.55C>T on transcript NM_001159773.2 (MANE Select); coding-DNA position 55, C replaced by T.
Protein change: p.Arg19Trp; replaces arginine 19 with tryptophan.
Molecular consequence: missense variant.
Genome position (GRCh38, 1-based): chr17:78,997,568, G>A on the plus strand (C>T on the coding strand, the complement: CANT1 is on the minus strand). VCF-style: chr17-78997568-G-A. GRCh37 (hg19) VCF-style: chr17-76993650-G-A.
Other names: c.55C>T, p.Arg19Trp (NM_001159772.2, NM_138793.4); short protein forms R19W.
Identifiers: ClinVar variation 2192496 (VCV002192496.4), dbSNP rs548806863, ClinGen allele CA8808833.